The following is an entry in ClinVar:

ClinVar aggregate classification (germline): Uncertain significance. Review status: criteria provided, multiple submitters, no conflicts (2 of 4 stars). 4 submissions from 4 submitters: Uncertain significance (4). Last evaluated 2025-08-03.

Conditions:
Hereditary cancer-predisposing syndrome. Also called: Neoplastic Syndromes, Hereditary; Tumor predisposition; Hereditary neoplastic syndrome; Hereditary Cancer Syndrome. Identifiers: Orphanet 140162, MedGen C0027672, MeSH D009386, MONDO:0015356.
Familial cancer of breast. Also called: BREAST CANCER, FAMILIAL; Hereditary breast cancer; hereditary breast carcinoma. Identifiers: Orphanet 227535, MedGen C0346153, MONDO:0016419, OMIM 114480. Disease mechanism: loss of function.

Submissions (4):

Labcorp Genetics (formerly Invitae), Labcorp
Classification: Uncertain significance for Familial cancer of breast. Last evaluated: 2025-08-03. Review status: criteria provided, single submitter. Criteria: Invitae Variant Classification Sherloc (09022015). Collection method: clinical testing. Allele origin: germline.
Comment: This sequence change replaces threonine, which is neutral and polar, with isoleucine, which is neutral and non-polar, at codon 375 of the BARD1 protein (p.Thr375Ile). This variant is not present in population databases (gnomAD no frequency). This variant has not been reported in the literature in individuals affected with BARD1-related conditions. ClinVar contains an entry for this variant (Variation ID: 628640). An algorithm developed to predict the effect of missense changes on protein structure and function (PolyPhen-2) suggests that this variant is likely to be tolerated. In summary, the available evidence is currently insufficient to determine the role of this variant in disease. Therefore, it has been classified as a Variant of Uncertain Significance.

GeneDx
Classification: Uncertain significance. Last evaluated: 2024-04-04. Review status: criteria provided, single submitter. Criteria: GeneDx Variant Classification Process June 2021. Collection method: clinical testing. Allele origin: germline. Affected: yes.
Comment: Not observed at significant frequency in large population cohorts (gnomAD); In silico analysis indicates that this missense variant does not alter protein structure/function; Has not been previously published as pathogenic or benign to our knowledge

Color Diagnostics, LLC DBA Color Health
Classification: Uncertain significance for Hereditary cancer-predisposing syndrome. Last evaluated: 2023-12-05. Review status: criteria provided, single submitter. Criteria: ACMG Guidelines, 2015. Collection method: clinical testing. Allele origin: germline.
Comment: This missense variant replaces threonine with isoleucine at codon 375 of the BARD1 protein. Computational prediction suggests that this variant may not impact protein structure and function (internally defined REVEL score threshold <= 0.5, PMID: 27666373). To our knowledge, functional studies have not been reported for this variant. This variant has not been reported in individuals affected with BARD1-related disorders in the literature. This variant has not been identified in the general population by the Genome Aggregation Database (gnomAD). The available evidence is insufficient to determine the role of this variant in disease conclusively. Therefore, this variant is classified as a Variant of Uncertain Significance.

Ambry Genetics
Classification: Uncertain significance for Hereditary cancer-predisposing syndrome. Last evaluated: 2023-06-12. Review status: criteria provided, single submitter. Criteria: Ambry Variant Classification Scheme 2023. Collection method: clinical testing. Allele origin: germline.
Comment: The p.T375I variant (also known as c.1124C>T), located in coding exon 4 of the BARD1 gene, results from a C to T substitution at nucleotide position 1124. The threonine at codon 375 is replaced by isoleucine, an amino acid with similar properties. This amino acid position is not well conserved in available vertebrate species. In addition, this alteration is predicted to be tolerated by in silico analysis. Since supporting evidence is limited at this time, the clinical significance of this alteration remains unclear.

NM_000465.4(BARD1):c.1124C>T (p.Thr375Ile)

Gene: BARD1 (BRCA1 associated RING domain 1; minus strand). Cytogenetic location: 2q35.
Variant type: single nucleotide variant.
Coding change: c.1124C>T on transcript NM_000465.4 (MANE Select); coding-DNA position 1124, C replaced by T.
Protein change: p.Thr375Ile; replaces threonine 375 with isoleucine.
Molecular consequence: missense variant. On other transcripts: non-coding transcript variant (2), intron variant (3).
Genome position (GRCh38, 1-based): chr2:214,780,750, G>A on the plus strand (C>T on the coding strand, the complement: BARD1 is on the minus strand). VCF-style: chr2-214780750-G-A. GRCh37 (hg19) VCF-style: chr2-215645474-G-A.
Other names: c.1067C>T, p.Thr356Ile (NM_001282543.2); c.159-28195C>T (NM_001282548.2); c.215+16311C>T (NM_001282545.2); c.364+11547C>T (NM_001282549.2); c.1124C>T (NM_000465.2); short protein forms T375I, T356I.
Identifiers: ClinVar variation 628640 (VCV000628640.17), dbSNP rs1559423874, ClinGen allele CA350454008.
Genomic context (GRCh38, chr2:214,780,750, plus strand): 5'-GGTGTACCTGGTGAAAGACTAATGAATTCATCGGACATGTTACTGTTTTTCCTCCCTGAT[G>A]TACCACCAACTTTACGTTTGCATGAAGGTGGTGAAGAACATTCAGGCAATGGTATATTTT-3'
Protein context (NP_000456.2, residues 365-385): PPSCKRKVGG[Thr375Ile]SGRKNSNMSD